The following is an entry in ClinVar:

NM_001371986.1(UNC80):c.2591C>G (p.Ala864Gly)

Gene: UNC80 (unc-80 subunit of NALCN channel complex; plus strand). Cytogenetic location: 2q34.
Variant type: single nucleotide variant.
Coding change: c.2591C>G on transcript NM_001371986.1 (MANE Select); coding-DNA position 2591, C replaced by G.
Protein change: p.Ala864Gly; replaces alanine 864 with glycine.
Molecular consequence: missense variant.
Genome position (GRCh38, 1-based): chr2:209,829,344, C>G. VCF-style: chr2-209829344-C-G. GRCh37 (hg19) VCF-style: chr2-210694068-C-G.
Other names: c.2591C>G (NM_032504.1); c.2591C>G, p.Ala864Gly (NM_032504.2); c.2576C>G, p.Ala859Gly (NM_182587.4); short protein forms A859G, A864G.
Identifiers: ClinVar variation 1994362 (VCV001994362.4), dbSNP rs774914667, ClinGen allele CA2083034.
Genomic context (GRCh38, chr2:209,829,344, plus strand): 5'-AAACCATGAGGGACTATGTGAACAAGGACTCTCTCAATAATGTAGTGGACTTCTTGCATG[C>G]TTTGCTAGGATTTTGTATGGAGCCGGTCACTGACAGTAAGTAAAGCTGCACCCAAGTTCT-3'
Protein context (NP_001358915.1, residues 854-874): SLNNVVDFLH[Ala864Gly]LLGFCMEPVT

ClinVar aggregate classification (germline): Uncertain significance. Review status: criteria provided, multiple submitters, no conflicts (2 of 4 stars). 2 submissions from 2 submitters: Uncertain significance (2). Last evaluated 2025-11-09.

Conditions:
Inborn genetic diseases. Identifiers: MedGen C0950123, MeSH D030342.

Allele frequency attached by ClinVar (database versions not stated): ExAC 0.00005.

Submissions (2):

Labcorp Genetics (formerly Invitae), Labcorp
Classification: Uncertain significance. Last evaluated: 2025-11-09. Review status: criteria provided, single submitter. Criteria: Invitae Variant Classification Sherloc (09022015). Collection method: clinical testing. Allele origin: germline.
Comment: This sequence change replaces alanine, which is neutral and non-polar, with glycine, which is neutral and non-polar, at codon 864 of the UNC80 protein (p.Ala864Gly). This variant is not present in population databases (gnomAD no frequency). This variant has not been reported in the literature in individuals affected with UNC80-related conditions. ClinVar contains an entry for this variant (Variation ID: 1994362). An algorithm developed to predict the effect of missense changes on protein structure and function (PolyPhen-2) suggests that this variant is likely to be disruptive. In summary, the available evidence is currently insufficient to determine the role of this variant in disease. Therefore, it has been classified as a Variant of Uncertain Significance.

Ambry Genetics
Classification: Uncertain significance for Inborn genetic diseases. Last evaluated: 2025-08-02. Review status: criteria provided, single submitter. Criteria: Ambry Variant Classification Scheme 2023. Collection method: clinical testing. Allele origin: germline.